The following is an entry in ClinVar:

ClinVar aggregate classification (germline): Uncertain significance. Review status: criteria provided, multiple submitters, no conflicts (2 of 4 stars). 2 submissions from 2 submitters: Uncertain significance (2). Last evaluated 2023-11-09.

Conditions:
NALCN-related disorder. Also called: NALCN-related condition; NALCN-related disorders.

Submissions (2):

GeneDx
Classification: Uncertain significance. Last evaluated: 2023-11-09. Review status: criteria provided, single submitter. Criteria: GeneDx Variant Classification Process June 2021. Collection method: clinical testing. Allele origin: germline. Affected: yes.
Comment: Not observed at significant frequency in large population cohorts (gnomAD); In silico analysis supports that this missense variant has a deleterious effect on protein structure/function; Has not been previously published as pathogenic or benign to our knowledge

PreventionGenetics, part of Exact Sciences
Classification: Uncertain significance for NALCN-related condition. Last evaluated: 2023-05-03. Review status: criteria provided, single submitter. Criteria: ACMG Guidelines, 2015. Collection method: clinical testing. Allele origin: germline.
Comment: The NALCN c.1315T>G variant is predicted to result in the amino acid substitution p.Cys439Gly. To our knowledge, this variant has not been reported in the literature or in a large population database, indicating this variant is rare. At this time, the clinical significance of this variant is uncertain due to the absence of conclusive functional and genetic evidence.

NM_052867.4(NALCN):c.1315T>G (p.Cys439Gly)

Gene: NALCN (sodium leak channel, non-selective; minus strand). Cytogenetic location: 13q33.1.
Variant type: single nucleotide variant.
Coding change: c.1315T>G on transcript NM_052867.4 (MANE Select); coding-DNA position 1315, T replaced by G.
Protein change: p.Cys439Gly; replaces cysteine 439 with glycine.
Molecular consequence: missense variant.
Genome position (GRCh38, 1-based): chr13:101,237,874, A>C on the plus strand (T>G on the coding strand, the complement: NALCN is on the minus strand). VCF-style: chr13-101237874-A-C. GRCh37 (hg19) VCF-style: chr13-101890225-A-C.
Other names: c.1315T>G, p.Cys439Gly (NM_001350748.2, NM_001350749.2); c.1228T>G, p.Cys410Gly (NM_001350750.2, NM_001350751.2); short protein forms C410G, C439G.
Identifiers: ClinVar variation 2632967 (VCV002632967.2), dbSNP rs2503030438, ClinGen allele CA388703236.